The following is an entry in ClinVar:

NM_000784.4(CYP27A1):c.175G>A (p.Glu59Lys)

Gene: CYP27A1 (cytochrome P450 family 27 subfamily A member 1; plus strand). Cytogenetic location: 2q35.
Variant type: single nucleotide variant.
Coding change: c.175G>A on transcript NM_000784.4 (MANE Select); coding-DNA position 175, G replaced by A.
Protein change: p.Glu59Lys; replaces glutamic acid 59 with lysine.
Molecular consequence: missense variant.
Genome position (GRCh38, 1-based): chr2:218,782,357, G>A. VCF-style: chr2-218782357-G-A. GRCh37 (hg19) VCF-style: chr2-219647080-G-A.
Other names: short protein forms E59K.
Identifiers: ClinVar variation 2103836 (VCV002103836.4), dbSNP rs2470201944, ClinGen allele CA350576389.

ClinVar aggregate classification (germline): Uncertain significance (1 of 4 stars; one submission).

Conditions:
Cholestanol storage disease (CTX). Also called: CEREBRAL CHOLESTERINOSIS; Cerebrotendinous Xanthomatosis; CTX: Cerebrotendinous xanthomatosis. Identifiers: Orphanet 909, MedGen C0238052, MONDO:0008948, OMIM 213700.

Submission:

Labcorp Genetics (formerly Invitae), Labcorp
Classification: Uncertain significance for Cholestanol storage disease. Last evaluated: 2022-06-10. Review status: criteria provided, single submitter. Criteria: Invitae Variant Classification Sherloc (09022015). Collection method: clinical testing. Allele origin: germline.
Comment: This sequence change replaces glutamic acid, which is acidic and polar, with lysine, which is basic and polar, at codon 59 of the CYP27A1 protein (p.Glu59Lys). In summary, the available evidence is currently insufficient to determine the role of this variant in disease. Therefore, it has been classified as a Variant of Uncertain Significance. Advanced modeling of protein sequence and biophysical properties (such as structural, functional, and spatial information, amino acid conservation, physicochemical variation, residue mobility, and thermodynamic stability) performed at Invitae indicates that this missense variant is not expected to disrupt CYP27A1 protein function. This variant has not been reported in the literature in individuals affected with CYP27A1-related conditions. This variant is not present in population databases (gnomAD no frequency).